The following is an entry in ClinVar:

ClinVar aggregate classification (germline): Uncertain significance (1 of 4 stars; one submission).

Conditions:
Inborn genetic diseases. Identifiers: MedGen C0950123, MeSH D030342.

gnomAD v4.1: 4 of 1,614,210 alleles (0.00025%); highest among the groups gnomAD compares: Non-Finnish European, 0.00025%; no homozygotes.

Submission:

Ambry Genetics
Classification: Uncertain significance for Inborn genetic diseases. Last evaluated: 2024-05-18. Review status: criteria provided, single submitter. Criteria: Ambry Variant Classification Scheme 2023. Collection method: clinical testing. Allele origin: germline.
Comment: The p.S10N variant (also known as c.29G>A), located in coding exon 2 of the EPAS1 gene, results from a G to A substitution at nucleotide position 29. The serine at codon 10 is replaced by asparagine, an amino acid with highly similar properties. This amino acid position is conserved. In addition, this alteration is predicted to be tolerated by in silico analysis. Based on the available evidence, the clinical significance of this variant remains unclear.

NM_001430.5(EPAS1):c.29G>A (p.Ser10Asn)

Gene: EPAS1 (endothelial PAS domain protein 1; plus strand). Cytogenetic location: 2p21.
Variant type: single nucleotide variant.
Coding change: c.29G>A on transcript NM_001430.5 (MANE Select); coding-DNA position 29, G replaced by A.
Protein change: p.Ser10Asn; replaces serine 10 with asparagine.
Molecular consequence: missense variant.
Genome position (GRCh38, 1-based): chr2:46,346,875, G>A. VCF-style: chr2-46346875-G-A. GRCh37 (hg19) VCF-style: chr2-46574014-G-A.
Other names: short protein forms S10N.
Identifiers: ClinVar variation 3275723 (VCV003275723.1).